The following is an entry in ClinVar:

NM_004995.4(MMP14):c.1097C>T (p.Ala366Val)

Gene: MMP14 (matrix metallopeptidase 14; plus strand). Cytogenetic location: 14q11.2.
Variant type: single nucleotide variant.
Coding change: c.1097C>T on transcript NM_004995.4 (MANE Select); coding-DNA position 1097, C replaced by T.
Protein change: p.Ala366Val; replaces alanine 366 with valine.
Molecular consequence: missense variant.
Genome position (GRCh38, 1-based): chr14:22,844,456, C>T. VCF-style: chr14-22844456-C-T. GRCh37 (hg19) VCF-style: chr14-23313665-C-T.
Other names: short protein forms A366V.
Identifiers: ClinVar variation 2069371 (VCV002069371.5), dbSNP rs150036710, ClinGen allele CA7105362.

ClinVar aggregate classification (germline): Uncertain significance. Review status: criteria provided, multiple submitters, no conflicts (2 of 4 stars). 2 submissions from 2 submitters: Uncertain significance (2). Last evaluated 2025-03-02.

Conditions:
Inborn genetic diseases. Identifiers: MedGen C0950123, MeSH D030342.

Allele frequency attached by ClinVar (database versions not stated): ExAC 0.00005; gnomAD exomes 0.00005; gnomAD 0.00013; ESP Exome Variant Server 0.00015; TOPMed 0.00025.
gnomAD v4.1: 94 of 1,614,016 alleles (0.0058%); highest among the groups gnomAD compares: African/African-American, 0.035%; no homozygotes.

Submissions (2):

Labcorp Genetics (formerly Invitae), Labcorp
Classification: Uncertain significance. Last evaluated: 2025-03-02. Review status: criteria provided, single submitter. Criteria: Invitae Variant Classification Sherloc (09022015). Collection method: clinical testing. Allele origin: germline.
Comment: This sequence change replaces alanine, which is neutral and non-polar, with valine, which is neutral and non-polar, at codon 366 of the MMP14 protein (p.Ala366Val). This variant is present in population databases (rs150036710, gnomAD 0.03%). This variant has not been reported in the literature in individuals affected with MMP14-related conditions. ClinVar contains an entry for this variant (Variation ID: 2069371). Invitae Evidence Modeling of protein sequence and biophysical properties (such as structural, functional, and spatial information, amino acid conservation, physicochemical variation, residue mobility, and thermodynamic stability) indicates that this missense variant is not expected to disrupt MMP14 protein function with a negative predictive value of 80%. In summary, the available evidence is currently insufficient to determine the role of this variant in disease. Therefore, it has been classified as a Variant of Uncertain Significance.

Ambry Genetics
Classification: Uncertain significance for Inborn genetic diseases. Last evaluated: 2021-07-06. Review status: criteria provided, single submitter. Criteria: Ambry Variant Classification Scheme 2023. Collection method: clinical testing. Allele origin: germline.